The following is an entry in ClinVar:

ClinVar aggregate classification (germline): Uncertain significance. Review status: criteria provided, multiple submitters, no conflicts (2 of 4 stars). 2 submissions from 2 submitters: Uncertain significance (2). Last evaluated 2023-10-13.

Conditions:
Facioscapulohumeral muscular dystrophy 2 (FSHD2). Also called: MUSCULAR DYSTROPHY, FACIOSCAPULOHUMERAL, TYPE 1B; FACIOSCAPULOHUMERAL MUSCULAR DYSTROPHY 2, DIGENIC; FSHD2, DIGENIC. Identifiers: Orphanet 269, MedGen C1834671, MONDO:0008031, OMIM 158901.

Allele frequency attached by ClinVar (database versions not stated): ExAC 0.00002; gnomAD exomes 0.00002 and 0.00004; ESP Exome Variant Server 0.00008; TOPMed 0.00015; 1000 Genomes Project 30x 0.00016; gnomAD 0.00019 and 0.00020; 1000 Genomes Project 0.00020.
gnomAD v4.1: 62 of 1,612,684 alleles (0.0038%); highest among the groups gnomAD compares: African/African-American, 0.08%; no homozygotes.

Submissions (2):

Labcorp Genetics (formerly Invitae), Labcorp
Classification: Uncertain significance for Facioscapulohumeral muscular dystrophy 2. Last evaluated: 2023-10-13. Review status: criteria provided, single submitter. Criteria: Invitae Variant Classification Sherloc (09022015). Collection method: clinical testing. Allele origin: germline.
Comment: This sequence change replaces threonine, which is neutral and polar, with alanine, which is neutral and non-polar, at codon 1116 of the SMCHD1 protein (p.Thr1116Ala). This variant is present in population databases (rs377085725, gnomAD 0.05%). This variant has not been reported in the literature in individuals affected with SMCHD1-related conditions. ClinVar contains an entry for this variant (Variation ID: 847726). Advanced modeling of protein sequence and biophysical properties (such as structural, functional, and spatial information, amino acid conservation, physicochemical variation, residue mobility, and thermodynamic stability) performed at Invitae indicates that this missense variant is not expected to disrupt SMCHD1 protein function. In summary, the available evidence is currently insufficient to determine the role of this variant in disease. Therefore, it has been classified as a Variant of Uncertain Significance.

GeneDx
Classification: Uncertain significance. Last evaluated: 2022-01-18. Review status: criteria provided, single submitter. Criteria: GeneDx Variant Classification Process June 2021. Collection method: clinical testing. Allele origin: germline. Affected: yes.
Comment: In silico analysis supports that this missense variant does not alter protein structure/function; Has not been previously published as pathogenic or benign to our knowledge

NM_015295.3(SMCHD1):c.3346A>G (p.Thr1116Ala)

Gene: SMCHD1 (structural maintenance of chromosomes flexible hinge domain containing 1; plus strand). Cytogenetic location: 18p11.32.
Variant type: single nucleotide variant.
Coding change: c.3346A>G on transcript NM_015295.3 (MANE Select); coding-DNA position 3346, A replaced by G.
Protein change: p.Thr1116Ala; replaces threonine 1116 with alanine.
Molecular consequence: missense variant.
Genome position (GRCh38, 1-based): chr18:2,738,466, A>G. VCF-style: chr18-2738466-A-G. GRCh37 (hg19) VCF-style: chr18-2738464-A-G.
Other names: short protein forms T1116A.
Identifiers: ClinVar variation 847726 (VCV000847726.11), dbSNP rs377085725, ClinGen allele CA8871178.